The following is an entry in ClinVar:

ClinVar aggregate classification (germline): Conflicting classifications of pathogenicity. Review status: criteria provided, conflicting classifications (1 of 4 stars). 2 submissions from 2 submitters: Uncertain significance (1); Likely benign (1). Last evaluated 2024-09-03.

Allele frequency attached by ClinVar (database versions not stated): gnomAD 0.00001; TOPMed 0.00001; gnomAD exomes 0.00002 and 0.00003; ExAC 0.00003.
gnomAD v4.1: 27 of 1,595,740 alleles (0.0017%); highest among the groups gnomAD compares: South Asian, 0.0068%; 1 homozygote.

Submissions (2):

Ambry Genetics
Classification: Uncertain significance. Last evaluated: 2024-09-03. Review status: criteria provided, single submitter. Criteria: Ambry Variant Classification Scheme 2023. Collection method: clinical testing. Allele origin: germline.
Comment: The c.1335T>C variant (also known as p.F445F), located in coding exon 10 of the RINT1 gene, results from a T to C substitution at nucleotide position 1335. This nucleotide substitution does not change the amino acid at codon 445. This nucleotide position is not well conserved in available vertebrate species. In silico splice site analysis for this alteration is inconclusive. The evidence for this gene-disease relationship is limited; therefore, the clinical significance of this alteration is unclear.

Labcorp Genetics (formerly Invitae), Labcorp
Classification: Likely benign. Last evaluated: 2023-10-15. Review status: criteria provided, single submitter. Criteria: Invitae Variant Classification Sherloc (09022015). Collection method: clinical testing. Allele origin: germline.

NM_021930.6(RINT1):c.1335T>C (p.Phe445=)

Gene: RINT1 (RAD50 interactor 1; plus strand). Cytogenetic location: 7q22.3.
Variant type: single nucleotide variant.
Coding change: c.1335T>C on transcript NM_021930.6 (MANE Select); coding-DNA position 1335, T replaced by C.
Protein change: p.Phe445=; no amino-acid change (phenylalanine 445 retained).
Molecular consequence: synonymous variant. On other transcripts: non-coding transcript variant (1).
Genome position (GRCh38, 1-based): chr7:105,551,571, T>C. VCF-style: chr7-105551571-T-C. GRCh37 (hg19) VCF-style: chr7-105192018-T-C.
Other names: c.1101T>C, p.Phe367= (NM_001346599.2); c.312T>C, p.Phe104= (NM_001346600.2, NM_001346603.2); c.411T>C, p.Phe137= (NM_001346601.2).
Identifiers: ClinVar variation 416375 (VCV000416375.15), dbSNP rs770595233, ClinGen allele CA4426664.
Genomic context (GRCh38, chr7:105,551,571, plus strand): 5'-GAATAATTAGGAACGACTGTAACTACTTAATTGACATAATTGTTTTGTCTGCTTATCAGT[T>C]GCTCTTCAAAAAATGGACTCAATGCTTTCCTCAGAAGCTGCCTGGGTATCGCAATATAAG-3'
Protein context (NP_068749.3, residues 435-455): FQRWLTVERK[Phe445=]ALQKMDSMLS